The following is an entry in ClinVar:

ClinVar aggregate classification (germline): Uncertain significance (1 of 4 stars; one submission).

Conditions:
Inborn genetic diseases. Identifiers: MedGen C0950123, MeSH D030342.

Submission:

Ambry Genetics
Classification: Uncertain significance for Inborn genetic diseases. Last evaluated: 2023-12-31. Review status: criteria provided, single submitter. Criteria: Ambry Variant Classification Scheme 2023. Collection method: clinical testing. Allele origin: germline.
Comment: The p.V95G variant (also known as c.284T>G), located in coding exon 3 of the MDH2 gene, results from a T to G substitution at nucleotide position 284. The valine at codon 95 is replaced by glycine, an amino acid with dissimilar properties. This amino acid position is conserved. In addition, this alteration is predicted to be deleterious by in silico analysis. Since supporting evidence is limited at this time, the clinical significance of this alteration remains unclear.

NM_005918.4(MDH2):c.284T>G (p.Val95Gly)

Gene: MDH2 (malate dehydrogenase 2; plus strand). Cytogenetic location: 7q11.23.
Variant type: single nucleotide variant.
Coding change: c.284T>G on transcript NM_005918.4 (MANE Select); coding-DNA position 284, T replaced by G.
Protein change: p.Val95Gly; replaces valine 95 with glycine.
Molecular consequence: missense variant. On other transcripts: 5 prime UTR variant (1).
Genome position (GRCh38, 1-based): chr7:76,057,458, T>G. VCF-style: chr7-76057458-T-G. GRCh37 (hg19) VCF-style: chr7-75686776-T-G.
Other names: c.284T>G, p.Val95Gly (NM_001282403.2); c.-38T>G (NM_001282404.2); short protein forms V95G.
Identifiers: ClinVar variation 3225186 (VCV003225186.1), dbSNP rs2535857910, ClinGen allele CA367763496.